The following is an entry in ClinVar:

ClinVar aggregate classification (germline): Uncertain significance. Review status: criteria provided, multiple submitters, no conflicts (2 of 4 stars). 2 submissions from 2 submitters: Uncertain significance (2). Last evaluated 2025-11-01.

Allele frequency attached by ClinVar (database versions not stated): gnomAD 0.00001; gnomAD exomes 0.00001; TOPMed 0.00002.
gnomAD v4.1: 12 of 1,554,686 alleles (0.00077%); highest among the groups gnomAD compares: South Asian, 0.0047%; no homozygotes.

Submissions (2):

Labcorp Genetics (formerly Invitae), Labcorp
Classification: Uncertain significance. Last evaluated: 2025-11-01. Review status: criteria provided, single submitter. Criteria: Invitae Variant Classification Sherloc (09022015). Collection method: clinical testing. Allele origin: germline.
Comment: This sequence change falls in intron 22 of the CLCN7 gene. It does not directly change the encoded amino acid sequence of the CLCN7 protein. It affects a nucleotide within the consensus splice site. The frequency data for this variant in the population databases is considered unreliable, as metrics indicate poor data quality at this position in the gnomAD database. This variant has not been reported in the literature in individuals affected with CLCN7-related conditions. ClinVar contains an entry for this variant (Variation ID: 2054599). Variants that disrupt the consensus splice site are a relatively common cause of aberrant splicing (PMID: 17576681, 9536098). Algorithms developed to predict the effect of sequence changes on RNA splicing suggest that this variant is not likely to affect RNA splicing. In summary, the available evidence is currently insufficient to determine the role of this variant in disease. Therefore, it has been classified as a Variant of Uncertain Significance.

Blueprint Genetics
Classification: Uncertain significance. Last evaluated: 2020-05-07. Review status: criteria provided, single submitter. Criteria: ACMG Guidelines, 2015. Collection method: clinical testing. Allele origin: germline.

Literature cited by the submitters: PubMed 17576681 (cited by Labcorp Genetics (formerly Invitae), Labcorp); PubMed 9536098 (cited by Labcorp Genetics (formerly Invitae), Labcorp).

NM_001287.6(CLCN7):c.2073+5G>A

Gene: CLCN7 (Cl-/H+ antiporter 7; minus strand). Cytogenetic location: 16p13.3.
Variant type: single nucleotide variant.
Coding change: c.2073+5G>A on transcript NM_001287.6 (MANE Select); 5 bases into the intron after coding-DNA position 2073, G replaced by A.
Molecular consequence: intron variant.
Genome position (GRCh38, 1-based): chr16:1,447,650, C>T on the plus strand (G>A on the coding strand, the complement: CLCN7 is on the minus strand). VCF-style: chr16-1447650-C-T. GRCh37 (hg19) VCF-style: chr16-1497651-C-T.
Other names: c.2001+5G>A (NM_001114331.3).
Identifiers: ClinVar variation 2054599 (VCV002054599.5), dbSNP rs1359861948, ClinGen allele CA620698112.